The following is an entry in ClinVar:

NR_126093.1(DDX3X):n.3196A>G

Gene: DDX3X (DEAD-box helicase 3 X-linked; plus strand). Cytogenetic location: Xp11.4.
Variant type: single nucleotide variant.
Molecular consequence: non-coding transcript variant (on NR_126093.1).
Genome position: GRCh38 VCF-style: chrX-41357898-A-G. GRCh37 (hg19) VCF-style: chrX-41217151-A-G.
Identifiers: ClinVar variation 2660345 (VCV002660345.24), dbSNP rs755466951, ClinGen allele CA329202357.

ClinVar aggregate classification (germline): Likely benign (1 of 4 stars; one submission).

Allele frequency attached by ClinVar (database versions not stated): gnomAD 0.00016; TOPMed 0.00020; gnomAD exomes 0.00027.
gnomAD v4.1: 68 of 293,668 alleles (0.023%); highest among the groups gnomAD compares: Middle Eastern, 0.44%; no homozygotes.

Submission:

CeGaT Center for Human Genetics Tuebingen
Classification: Likely benign. Last evaluated: 2023-05-01. Review status: criteria provided, single submitter. Criteria: CeGaT Center For Human Genetics Tuebingen Variant Classification Criteria Version 2. Collection method: clinical testing. Allele origin: germline. Affected: yes. Observed: 3 variant alleles.
Comment: DDX3X: BS2